The following is an entry in ClinVar:

ClinVar aggregate classification (germline): Uncertain significance (1 of 4 stars; one submission).

Conditions:
FG syndrome (FGS). Identifiers: MedGen C0220769, MONDO:0002010.

Submission:

Labcorp Genetics (formerly Invitae), Labcorp
Classification: Uncertain significance for FG syndrome. Last evaluated: 2025-01-12. Review status: criteria provided, single submitter. Criteria: Invitae Variant Classification Sherloc (09022015). Collection method: clinical testing. Allele origin: germline.
Comment: This variant, c.2128_2130del, results in the deletion of 1 amino acid(s) of the MED12 protein (p.Val710del), but otherwise preserves the integrity of the reading frame. This variant is not present in population databases (gnomAD no frequency). This variant has not been reported in the literature in individuals affected with MED12-related conditions. Experimental studies and prediction algorithms are not available or were not evaluated, and the functional significance of this variant is currently unknown. In summary, the available evidence is currently insufficient to determine the role of this variant in disease. Therefore, it has been classified as a Variant of Uncertain Significance.

NM_005120.3(MED12):c.2128_2130del (p.Val710del)

Gene: MED12 (mediator complex subunit 12; plus strand). Cytogenetic location: Xq13.1.
Variant type: Deletion.
Coding change: c.2128_2130del on transcript NM_005120.3 (MANE Select); coding-DNA positions 2128 to 2130, 3 bases deleted (GTG; older notation c.2128_2130delGTG).
Protein change: p.Val710del; deletes valine 710.
Genome position (GRCh38, 1-based): chrX:71,125,048-71,125,050, GTG deleted; deleting any 3 consecutive bases within chrX:71,125,047-71,125,050 gives the same sequence; the c. name uses the placement nearest the transcript's 3' end. VCF-style (leftmost placement, unchanged base first): chrX-71125046-AGGT-A. GRCh37 (hg19) VCF-style: chrX-70344896-AGGT-A.
Other names: short protein forms V710del.
Identifiers: ClinVar variation 3728879 (VCV003728879.2).